The following is an entry in ClinVar:

NM_006662.3(SRCAP):c.4665G>A (p.Leu1555=)

Gene: SRCAP (Snf2 related CREBBP activator protein; plus strand). Cytogenetic location: 16p11.2.
Variant type: single nucleotide variant.
Coding change: c.4665G>A on transcript NM_006662.3 (MANE Select); coding-DNA position 4665, G replaced by A.
Protein change: p.Leu1555=; no amino-acid change (leucine 1555 retained).
Molecular consequence: synonymous variant.
Genome position (GRCh38, 1-based): chr16:30,724,089, G>A. VCF-style: chr16-30724089-G-A. GRCh37 (hg19) VCF-style: chr16-30735410-G-A.
Identifiers: ClinVar variation 4759762 (VCV004759762.2).

ClinVar aggregate classification (germline): Likely benign. Review status: criteria provided, multiple submitters, no conflicts (2 of 4 stars). 2 submissions from 2 submitters: Likely benign (2). Last evaluated 2026-06-26.

gnomAD v4.1: 1 of 1,613,612 alleles (0.000062%); highest among the groups gnomAD compares: Admixed American, 0.0017%; no homozygotes.

Submissions (2):

Women's Health and Genetics/Laboratory Corporation of America, LabCorp
Classification: Likely benign. Last evaluated: 2026-06-26. Review status: criteria provided, single submitter. Criteria: LabCorp Variant Classification Summary - May 2015. Collection method: clinical testing. Allele origin: germline.
Comment: Variant summary: SRCAP c.4665G>A results in a synonymous change. Consensus agreement among computation tools predict no significant impact on normal splicing. However, these predictions have yet to be confirmed by functional studies. The variant allele was found at a frequency of 4e-06 in 250934 control chromosomes. The available data on variant occurrences in the general population are insufficient to allow any conclusion about variant significance. To our knowledge, no occurrence of c.4665G>A in individuals affected with SRCAP-related conditions and no experimental evidence demonstrating its impact on protein function have been reported. ClinVar contains an entry for this variant (Variation ID: 4759762). Based on the evidence outlined above, the variant was classified as likely benign.

Labcorp Genetics (formerly Invitae), Labcorp
Classification: Likely benign. Last evaluated: 2025-11-25. Review status: criteria provided, single submitter. Criteria: Invitae Variant Classification Sherloc (09022015). Collection method: clinical testing. Allele origin: germline.